The following is an entry in ClinVar:

ClinVar aggregate classification (germline): Likely benign. Review status: criteria provided, multiple submitters, no conflicts (2 of 4 stars). 3 submissions from 3 submitters: Likely benign (3). Last evaluated 2022-10-06.

Conditions:
Heterotopia, periventricular, X-linked dominant (PVNH1). Also called: PERIVENTRICULAR NODULAR HETEROTOPIA 1; X-linked periventricular heterotopia; PERIVENTRICULAR NODULAR HETEROTOPIA 4; HETEROTOPIA, PERIVENTRICULAR, 1. Identifiers: Orphanet 2149, Orphanet 82004, MedGen C1848213, MONDO:0010233, OMIM 300049.
Melnick-Needles syndrome (MNS). Also called: OSTEODYSPLASTY OF MELNICK AND NEEDLES; Melnick-Needles Syndrome (FLNA-MNS); MELNICK-NEEDLES OSTEODYSPLASTY. Identifiers: Orphanet 2484, MedGen C0025237, MONDO:0010650, OMIM 309350.
Oto-palato-digital syndrome, type II (OPD2). Also called: OPD II SYNDROME; Otopalatodigital Syndrome, Type II; FACIOPALATOOSSEOUS SYNDROME; Otopalatodigital Syndrome Type 2 (FLNA-OPD2). Identifiers: Orphanet 669, Orphanet 90652, MedGen C1844696, MONDO:0010571, OMIM 304120.
Frontometaphyseal dysplasia (FMD1). Identifiers: Orphanet 1826, MedGen C0265293, MONDO:0015942.

Allele frequency attached by ClinVar (database versions not stated): gnomAD exomes below 0.00001.
gnomAD v4.1: 3 of 1,209,154 alleles (0.00025%); highest among the groups gnomAD compares: South Asian, 0.0018%; no homozygotes.

Submissions (3):

Blueprint Genetics
Classification: Likely benign. Last evaluated: 2022-10-06. Review status: criteria provided, single submitter. Criteria: ACMG Guidelines, 2015. Collection method: clinical testing. Allele origin: germline.

Labcorp Genetics (formerly Invitae), Labcorp
Classification: Likely benign for Oto-palato-digital syndrome, type II; Heterotopia, periventricular, X-linked dominant; Frontometaphyseal dysplasia; Melnick-Needles syndrome. Last evaluated: 2022-07-07. Review status: criteria provided, single submitter. Criteria: Invitae Variant Classification Sherloc (09022015). Collection method: clinical testing. Allele origin: germline.

GeneDx
Classification: Likely benign. Last evaluated: 2018-02-07. Review status: criteria provided, single submitter. Criteria: GeneDx Variant Classification (06012015). Collection method: clinical testing. Allele origin: germline. Affected: yes.
Comment: This variant is considered likely benign or benign based on one or more of the following criteria: it is a conservative change, it occurs at a poorly conserved position in the protein, it is predicted to be benign by multiple in silico algorithms, and/or has population frequency not consistent with disease.

NM_001110556.2(FLNA):c.1392C>T (p.Pro464=)

Gene: FLNA (filamin A; minus strand). Cytogenetic location: Xq28.
Variant type: single nucleotide variant.
Coding change: c.1392C>T on transcript NM_001110556.2 (MANE Select); coding-DNA position 1392, C replaced by T.
Protein change: p.Pro464=; no amino-acid change (proline 464 retained).
Molecular consequence: synonymous variant.
Genome position (GRCh38, 1-based): chrX:154,366,061, G>A on the plus strand (C>T on the coding strand, the complement: FLNA is on the minus strand). VCF-style: chrX-154366061-G-A. GRCh37 (hg19) VCF-style: chrX-153594429-G-A.
Other names: c.1392C>T, p.Pro464= (NM_001456.4).
Identifiers: ClinVar variation 515286 (VCV000515286.7), dbSNP rs1557179137, ClinGen allele CA519709430.